The following is an entry in ClinVar:

ClinVar aggregate classification (germline): Uncertain significance (1 of 4 stars; one submission).

Submission:

GeneDx
Classification: Uncertain significance. Last evaluated: 2023-12-04. Review status: criteria provided, single submitter. Criteria: GeneDx Variant Classification Process June 2021. Collection method: clinical testing. Allele origin: germline. Affected: yes.
Comment: Not observed at significant frequency in large population cohorts (gnomAD); In silico analysis supports that this missense variant has a deleterious effect on protein structure/function; Has not been previously published as pathogenic or benign to our knowledge

NM_001356.5(DDX3X):c.1351A>G (p.Lys451Glu)

Gene: DDX3X (DEAD-box helicase 3 X-linked; plus strand). Cytogenetic location: Xp11.4.
Variant type: single nucleotide variant.
Coding change: c.1351A>G on transcript NM_001356.5 (MANE Select); coding-DNA position 1351, A replaced by G.
Protein change: p.Lys451Glu; replaces lysine 451 with glutamic acid.
Molecular consequence: missense variant. On other transcripts: non-coding transcript variant (1).
Genome position (GRCh38, 1-based): chrX:41,346,264, A>G. VCF-style: chrX-41346264-A-G. GRCh37 (hg19) VCF-style: chrX-41205517-A-G.
Other names: c.1351A>G, p.Lys451Glu (NM_001193416.3); c.1303A>G, p.Lys435Glu (NM_001193417.3); c.793A>G, p.Lys265Glu (NM_001363819.1); short protein forms K265E, K435E, K451E.
Identifiers: ClinVar variation 3365195 (VCV003365195.1).